The following is an entry in ClinVar:

NM_033133.5(CNP):c.393G>A (p.Leu131=)

Gene: CNP (2',3'-cyclic nucleotide 3' phosphodiesterase; plus strand). Cytogenetic location: 17q21.2.
Variant type: single nucleotide variant.
Coding change: c.393G>A on transcript NM_033133.5 (MANE Select); coding-DNA position 393, G replaced by A.
Protein change: p.Leu131=; no amino-acid change (leucine 131 retained).
Molecular consequence: synonymous variant.
Genome position (GRCh38, 1-based): chr17:41,968,457, G>A. VCF-style: chr17-41968457-G-A. GRCh37 (hg19) VCF-style: chr17-40120475-G-A.
Other names: c.333G>A, p.Leu111= (NM_001330216.2).
Identifiers: ClinVar variation 2578787 (VCV002578787.25), dbSNP rs201726873, ClinGen allele CA8569493.
Genomic context (GRCh38, chr17:41,968,457, plus strand): 5'-CCGCCGCCGGGACATCAGAATTCTTGTGCTTGATGACACCAACCACGAACGGGAACGGCT[G>A]GAGCAGCTCTTTGAAATGGCCGACCAGTACCAGTACCAGGTGGTGCTGGTGGAGCCCAAG-3'
Protein context (NP_149124.3, residues 121-141): LDDTNHERER[Leu131=]EQLFEMADQY

ClinVar aggregate classification (germline): Likely benign (1 of 4 stars; one submission).

Allele frequency attached by ClinVar (database versions not stated): 1000 Genomes Project 30x 0.00016; 1000 Genomes Project 0.00020; ESP Exome Variant Server 0.00072; TOPMed 0.00095; ExAC 0.00103; gnomAD 0.00105; gnomAD exomes 0.00153.

Submission:

CeGaT Center for Human Genetics Tuebingen
Classification: Likely benign. Last evaluated: 2025-08-01. Review status: criteria provided, single submitter. Criteria: CeGaT Center For Human Genetics Tuebingen Variant Classification Criteria Version 2. Collection method: clinical testing. Allele origin: germline. Affected: yes. Observed: 7 variant alleles.
Comment: CNP: BP4, BP7